The following is an entry in ClinVar:

NM_000094.4(COL7A1):c.3078C>G (p.Phe1026Leu)

Gene: COL7A1 (collagen type VII alpha 1 chain; minus strand). Cytogenetic location: 3p21.31.
Variant type: single nucleotide variant.
Coding change: c.3078C>G on transcript NM_000094.4 (MANE Select); coding-DNA position 3078, C replaced by G.
Protein change: p.Phe1026Leu; replaces phenylalanine 1026 with leucine.
Molecular consequence: missense variant.
Genome position (GRCh38, 1-based): chr3:48,587,251, G>C on the plus strand (C>G on the coding strand, the complement: COL7A1 is on the minus strand). VCF-style: chr3-48587251-G-C. GRCh37 (hg19) VCF-style: chr3-48624684-G-C.
Other names: short protein forms F1026L.
Identifiers: ClinVar variation 1957544 (VCV001957544.2), dbSNP rs1239030771, ClinGen allele CA352712620.

ClinVar aggregate classification (germline): Uncertain significance (1 of 4 stars; one submission).

Submission:

Labcorp Genetics (formerly Invitae), Labcorp
Classification: Uncertain significance. Last evaluated: 2021-06-28. Review status: criteria provided, single submitter. Criteria: Invitae Variant Classification Sherloc (09022015). Collection method: clinical testing. Allele origin: germline.
Comment: This sequence change replaces phenylalanine with leucine at codon 1026 of the COL7A1 protein (p.Phe1026Leu). The phenylalanine residue is moderately conserved and there is a small physicochemical difference between phenylalanine and leucine. This variant is not present in population databases (ExAC no frequency). This variant has not been reported in the literature in individuals with COL7A1-related conditions. Advanced modeling of protein sequence and biophysical properties (such as structural, functional, and spatial information, amino acid conservation, physicochemical variation, residue mobility, and thermodynamic stability) performed at Invitae indicates that this missense variant is expected to disrupt COL7A1 protein function. In summary, the available evidence is currently insufficient to determine the role of this variant in disease. Therefore, it has been classified as a Variant of Uncertain Significance.